The following is an entry in ClinVar:

NM_153240.5(NPHP3):c.1951T>G (p.Ser651Ala)

Genes: NPHP3 (nephrocystin 3; minus strand), NPHP3-ACAD11 (NPHP3-ACAD11 readthrough (NMD candidate); minus strand). Cytogenetic location: 3q22.1.
Variant type: single nucleotide variant.
Coding change: c.1951T>G on transcript NM_153240.5 (MANE Select); coding-DNA position 1951, T replaced by G.
Protein change: p.Ser651Ala; replaces serine 651 with alanine.
Molecular consequence: missense variant.
Genome position (GRCh38, 1-based): chr3:132,699,387, A>C on the plus strand (T>G on the coding strand, the complement: NPHP3 is on the minus strand). VCF-style: chr3-132699387-A-C. GRCh37 (hg19) VCF-style: chr3-132418231-A-C.
Other names: short protein forms S651A.
Identifiers: ClinVar variation 4995410 (VCV004995410.1).

ClinVar aggregate classification (germline): Uncertain significance (1 of 4 stars; one submission).

Conditions:
NPHP3-related disorder. Also called: NPHP3-related disorders; NPHP3-related condition. Identifiers: MedGen CN379163.

Submission:

PreventionGenetics, part of Exact Sciences
Classification: Uncertain significance for NPHP3-related condition. Last evaluated: 2026-02-20. Review status: criteria provided, single submitter. Criteria: ACMG Guidelines, 2015. Collection method: clinical testing. Allele origin: germline.
Comment: The NPHP3 c.1951T>G variant is predicted to result in the amino acid substitution p.Ser651Ala. To our knowledge, this variant has not been reported in the literature or in a large population database (gnomAD), indicating this variant is rare. At this time, the clinical significance of this variant is uncertain due to the absence of conclusive functional and genetic evidence.